The following is an entry in ClinVar:

NM_000501.4(ELN):c.1397C>T (p.Ala466Val)

Gene: ELN (elastin; plus strand). Cytogenetic location: 7q11.23.
Variant type: single nucleotide variant.
Coding change: c.1397C>T on transcript NM_000501.4 (MANE Select); coding-DNA position 1397, C replaced by T.
Protein change: p.Ala466Val; replaces alanine 466 with valine.
Molecular consequence: missense variant. On other transcripts: intron variant (7).
Genome position (GRCh38, 1-based): chr7:74,057,679, C>T. VCF-style: chr7-74057679-C-T. GRCh37 (hg19) VCF-style: chr7-73472009-C-T.
Other names: c.1412C>T, p.Ala471Val (NM_001081754.3); c.1397C>T, p.Ala466Val (NM_001278912.2, NM_001278915.2); c.1367C>T, p.Ala456Val (NM_001278917.2); c.1484C>T, p.Ala495Val (NM_001278939.2); c.1372+966C>T (NM_001081753.3); c.1357+966C>T (NM_001081755.3); c.1315+966C>T (NM_001278916.2); c.1171+966C>T (NM_001278913.2); and 3 more; short protein forms A456V, A466V, A471V, A495V.
Identifiers: ClinVar variation 4811219 (VCV004811219.1).

ClinVar aggregate classification (germline): Uncertain significance (1 of 4 stars; one submission).

Conditions:
Supravalvar aortic stenosis (SVAS). Also called: Supravalvar aortic stenosis, Eisenberg type. Identifiers: Orphanet 3193, MedGen C0003499, MONDO:0008504, OMIM 185500, HP:0004381.

Submission:

Labcorp Genetics (formerly Invitae), Labcorp
Classification: Uncertain significance for Supravalvar aortic stenosis. Last evaluated: 2025-03-22. Review status: criteria provided, single submitter. Criteria: Invitae Variant Classification Sherloc (09022015). Collection method: clinical testing. Allele origin: germline.
Comment: This sequence change replaces alanine, which is neutral and non-polar, with valine, which is neutral and non-polar, at codon 495 of the ELN protein (p.Ala495Val). This variant is present in population databases (rs776889164, gnomAD 0.0009%). This variant has not been reported in the literature in individuals affected with ELN-related conditions. Invitae Evidence Modeling of protein sequence and biophysical properties (such as structural, functional, and spatial information, amino acid conservation, physicochemical variation, residue mobility, and thermodynamic stability) indicates that this missense variant is not expected to disrupt ELN protein function with a negative predictive value of 80%. In summary, the available evidence is currently insufficient to determine the role of this variant in disease. Therefore, it has been classified as a Variant of Uncertain Significance.